The following is an entry in ClinVar:

NM_000023.4(SGCA):c.574C>T (p.Arg192Ter)

Gene: SGCA (sarcoglycan alpha; plus strand). Cytogenetic location: 17q21.33.
Variant type: single nucleotide variant.
Coding change: c.574C>T on transcript NM_000023.4 (MANE Select); coding-DNA position 574, C replaced by T.
Protein change: p.Arg192Ter; replaces arginine 192 with a stop codon.
Molecular consequence: nonsense. On other transcripts: non-coding transcript variant (1).
Genome position (GRCh38, 1-based): chr17:50,168,562, C>T. VCF-style: chr17-50168562-C-T. GRCh37 (hg19) VCF-style: chr17-48245923-C-T.
Other names: NM_000023.4(SGCA):c.574C>T; p.Arg192Ter; c.574C>T, p.Arg192Ter (NM_001135697.3); short protein forms R192*.
Identifiers: ClinVar variation 37202 (VCV000037202.46), dbSNP rs387907298, ClinGen allele CA130100.

ClinVar aggregate classification (germline): Pathogenic. Review status: reviewed by expert panel (3 of 4 stars). 10 submissions from 10 submitters: Pathogenic (1). 9 of the submissions do not count toward it. Last evaluated 2025-01-07.

Conditions:
Autosomal recessive limb-girdle muscular dystrophy. Identifiers: Orphanet 102015, MedGen C2931907, MONDO:0015152.
Autosomal recessive limb-girdle muscular dystrophy type 2D (LGMDR3). Also called: DUCHENNE-LIKE AUTOSOMAL RECESSIVE MUSCULAR DYSTROPHY, TYPE 2; ADHALINOPATHY, PRIMARY; MUSCULAR DYSTROPHY, LIMB-GIRDLE, AUTOSOMAL RECESSIVE 3. Identifiers: Orphanet 62, MedGen C2936332, MONDO:0011968, OMIM 608099. Disease mechanism: Affects gamma-sarcoglycan and also disrupts the integrity of the entire sarcoglycan complex..
Abnormality of the musculature. Identifiers: MedGen C4021745, HP:0003011.

Allele frequency attached by ClinVar (database versions not stated): ExAC below 0.00001; gnomAD exomes 0.00001.
gnomAD v4.1: 8 of 1,566,376 alleles (0.00051%); highest among the groups gnomAD compares: Non-Finnish European, 0.00069%; no homozygotes.

Submissions (10):

ClinGen Limb Girdle Muscular Dystrophy Variant Curation Expert Panel, ClinGen
Classification: Pathogenic for Autosomal recessive limb-girdle muscular dystrophy. Last evaluated: 2025-01-07. Review status: reviewed by expert panel. Criteria: ClinGen LGMD VCEP ACMG Specifications SGCA V1.0.0. Collection method: curation. Allele origin: germline. Inheritance: Autosomal recessive inheritance.
Comment: The NM_000023.4: c.574C>T p.(Arg192Ter) variant in SGCA is a nonsense variant predicted to cause a premature stop codon in biologically relevant exon 5/10, leading to nonsense mediated decay in a gene in which loss of function is an established disease mechanism (PVS1). This variant has been detected in four individuals with autosomal recessive limb girdle muscular dystrophy, all of whom were homozygous for the variant. Consanguinity was reported in one of the four families (1.0 pt, PMID: 26934379, 22303798; PM3). The variant has also been reported to co-segregate with autosomal recessive limb girdle muscular dystrophy in eight affected meioses from four families (PP1_Strong; PMID: 26934379, 22303798). At least one patient with this variant displayed progressive limb girdle muscle weakness and reduced expression of alpha-sarcoglycan protein in skeletal muscle, which is specific for SGCA-related LGMD (PP4; PMID: 26934379) (capped with PP1_Strong). The highest population minor allele frequency of this variant in gnomAD v2.1.1 is 0.00001 (1/71080 alleles) in the European (non-Finnish) population, which is lower than the VCEP threshold (0.00009) for PM2_Supporting, meeting this criterion (PM2_Supporting). In summary, this variant meets the criteria to be classified as Pathogenic for autosomal recessive limb girdle muscular dystrophy based on the ACMG/AMP criteria applied, as specified by the ClinGen LGMD VCEP (LGMD VCEP specifications version 1.0.0; 01/07/2025): PVS1, PP1_Strong, PP4, PM3, PM2_Supporting.

Natera, Inc.
Classification: Pathogenic for Limb-girdle muscular dystrophy type 2D. Last evaluated: 2025-03-24. Review status: criteria provided, single submitter. Criteria: Natera Variant Classification Schema (03/2026). Collection method: clinical testing. Allele origin: germline. Not counted in ClinVar's aggregate classification.
Comment: The c.574C>T variant in SGCA is a nonsense variant predicted to introduce a stop codon at amino acid 192. This variant is expected to result in nonsense mediated decay, truncation, or a dysfunctional protein product. This variant is rare in the general population with a frequency below the threshold expected for the associated phenotype(s). This variant has been observed in one or more individuals affected with the associated recessive disease, as either homozygous or compound heterozygous with a second variant (PMID: 26934379). Additionally, this variant has been observed to segregate in affected family members (PMID: 26934379). Given the available evidence, this variant is classified as Pathogenic.

3billion
Classification: Pathogenic for Autosomal recessive limb-girdle muscular dystrophy type 2D. Last evaluated: 2025-03-07. Review status: criteria provided, single submitter. Criteria: ACMG Guidelines, 2015. Collection method: clinical testing. Allele origin: germline. Affected: yes. Not counted in ClinVar's aggregate classification.

Revvity Omics, Revvity
Classification: Pathogenic for Autosomal recessive limb-girdle muscular dystrophy type 2D. Last evaluated: 2024-03-28. Review status: criteria provided, single submitter. Criteria: ACMG Guidelines, 2015. Collection method: clinical testing. Allele origin: germline. Not counted in ClinVar's aggregate classification.

Baylor Genetics
Classification: Pathogenic for Autosomal recessive limb-girdle muscular dystrophy type 2D. Last evaluated: 2024-03-24. Review status: criteria provided, single submitter. Criteria: ACMG Guidelines, 2015. Collection method: clinical testing. Allele origin: unknown. Not counted in ClinVar's aggregate classification.

Labcorp Genetics (formerly Invitae), Labcorp
Classification: Pathogenic for Autosomal recessive limb-girdle muscular dystrophy type 2D. Last evaluated: 2024-01-21. Review status: criteria provided, single submitter. Criteria: Invitae Variant Classification Sherloc (09022015). Collection method: clinical testing. Allele origin: germline. Not counted in ClinVar's aggregate classification.
Comment: This sequence change creates a premature translational stop signal (p.Arg192*) in the SGCA gene. It is expected to result in an absent or disrupted protein product. Loss-of-function variants in SGCA are known to be pathogenic (PMID: 9192266). The frequency data for this variant in the population databases is considered unreliable, as metrics indicate poor data quality at this position in the gnomAD database. This premature translational stop signal has been observed in individuals with limb-girdle muscular dystrophy (PMID: 22303798, 26934379). It has also been observed to segregate with disease in related individuals. ClinVar contains an entry for this variant (Variation ID: 37202). For these reasons, this variant has been classified as Pathogenic.

Genome-Nilou Lab
Classification: Pathogenic for Autosomal recessive limb-girdle muscular dystrophy type 2D. Last evaluated: 2023-02-08. Review status: criteria provided, single submitter. Criteria: ACMG Guidelines, 2015. Collection method: clinical testing. Allele origin: germline. Not counted in ClinVar's aggregate classification.

Kariminejad - Najmabadi Pathology & Genetics Center
Classification: Pathogenic for Abnormality of the musculature. Last evaluated: 2021-07-10. Review status: criteria provided, single submitter. Criteria: ACMG Guidelines, 2015. Collection method: clinical testing. Allele origin: germline. Affected: yes. Not counted in ClinVar's aggregate classification.

Eurofins Ntd Llc (ga)
Classification: Pathogenic. Last evaluated: 2017-12-05. Review status: criteria provided, single submitter. Criteria: EGL Classification Definitions 2015. Collection method: clinical testing. Allele origin: germline. Observed: 1 variant allele, 1 heterozygote. Not counted in ClinVar's aggregate classification.

OMIM
Classification: Pathogenic for MUSCULAR DYSTROPHY, LIMB-GIRDLE, AUTOSOMAL RECESSIVE 3. Last evaluated: 2011-01-01. Review status: no assertion criteria provided. Collection method: literature only. Allele origin: germline. Not counted in ClinVar's aggregate classification.

Literature cited by the submitters: PubMed 26934379 (cited by 3 submitters); PubMed 22303798 (cited by 3 submitters); PubMed 9192266 (cited by Labcorp Genetics (formerly Invitae), Labcorp).